The following is an entry in ClinVar:

ClinVar aggregate classification (germline): Likely benign. Review status: criteria provided, multiple submitters, no conflicts (2 of 4 stars). 3 submissions from 3 submitters: Likely benign (2). 1 of the submissions does not count toward it. Last evaluated 2026-05-11.

Conditions:
Neurofibromatosis, type 1 (NF1). Also called: VON RECKLINGHAUSEN DISEASE; Neurofibromatosis, type I; NEUROFIBROMATOSIS, TYPE I, SOMATIC; Peripheral type neurofibromatosis. Identifiers: Orphanet 636, MedGen C0027831, MONDO:0018975, OMIM 162200. Disease mechanism: loss of function.
NF1-related disorder. Also called: NF1-related condition. Identifiers: MedGen CN379171.

Allele frequency attached by ClinVar (database versions not stated): gnomAD 0.00001.

Submissions (3):

Myriad Genetics, Inc.
Classification: Likely benign for Neurofibromatosis, type 1. Last evaluated: 2026-05-11. Review status: criteria provided, single submitter. Criteria: Myriad Autosomal Dominant, Autosomal Recessive and X-Linked Classification Criteria (2023). Collection method: clinical testing. Allele origin: unknown.
Comment: This variant is considered likely benign. This variant is intronic and is not expected to impact mRNA splicing.

Labcorp Genetics (formerly Invitae), Labcorp
Classification: Likely benign for Neurofibromatosis, type 1. Last evaluated: 2026-02-01. Review status: criteria provided, single submitter. Criteria: Invitae Variant Classification Sherloc (09022015). Collection method: clinical testing. Allele origin: germline.

PreventionGenetics, part of Exact Sciences
Classification: Likely benign for NF1-related condition. Last evaluated: 2024-05-03. Review status: no assertion criteria provided. Collection method: clinical testing. Allele origin: germline. Not counted in ClinVar's aggregate classification.
Comment: This variant is classified as likely benign based on ACMG/AMP sequence variant interpretation guidelines (Richards et al. 2015 PMID: 25741868, with internal and published modifications).

NM_001042492.3(NF1):c.205-20C>T

Gene: NF1 (neurofibromin 1; plus strand). Cytogenetic location: 17q11.2.
Variant type: single nucleotide variant.
Coding change: c.205-20C>T on transcript NM_001042492.3 (MANE Select); 20 bases into the intron before coding-DNA position 205, C replaced by T.
Molecular consequence: intron variant.
Genome position (GRCh38, 1-based): chr17:31,158,990, C>T. VCF-style: chr17-31158990-C-T. GRCh37 (hg19) VCF-style: chr17-29486008-C-T.
Other names: c.205-20C>T (NM_000267.4, NM_001128147.3).
Identifiers: ClinVar variation 1573365 (VCV001573365.10), dbSNP rs1203386469, ClinGen allele CA728018527.